The following is an entry in ClinVar:

NM_001267550.2(TTN):c.79342G>A (p.Val26448Met)

Genes: TTN (titin; minus strand), TTN-AS1 (TTN antisense RNA 1; plus strand). Cytogenetic location: 2q31.2.
Variant type: single nucleotide variant.
Coding change: c.79342G>A on transcript NM_001267550.2 (MANE Select); coding-DNA position 79342, G replaced by A.
Protein change: p.Val26448Met; replaces valine 26448 with methionine.
Molecular consequence: missense variant.
Genome position (GRCh38, 1-based): chr2:178,566,790, C>T on the plus strand (G>A on the coding strand, the complement: TTN is on the minus strand). VCF-style: chr2-178566790-C-T. GRCh37 (hg19) VCF-style: chr2-179431517-C-T.
Other names: c.74419G>A, p.Val24807Met (NM_001256850.1); c.52147G>A, p.Val17383Met (NM_003319.4); c.71638G>A, p.Val23880Met (NM_133378.4); c.52522G>A, p.Val17508Met (NM_133432.3); c.52723G>A, p.Val17575Met (NM_133437.4); short protein forms V26448M, V23880M, V24807M, V17508M, V17575M, V17383M.
Identifiers: ClinVar variation 440369 (VCV000440369.15), dbSNP rs1380054566, ClinGen allele CA349597537.

ClinVar aggregate classification (germline): Uncertain significance. Review status: criteria provided, multiple submitters, no conflicts (2 of 4 stars). 5 submissions from 5 submitters: Uncertain significance (5). Last evaluated 2026-06-24.

Conditions:
TTN-related disorder. Also called: TTN-related disorders; TTN-related condition; TTN-related disease.
Autosomal recessive limb-girdle muscular dystrophy type 2J (LGMDR10). Also called: Limb-girdle muscular dystrophy, type 2J; MUSCULAR DYSTROPHY, LIMB-GIRDLE, AUTOSOMAL RECESSIVE 10. Identifiers: Orphanet 140922, MedGen C1837342, MONDO:0012127, OMIM 608807.
Dilated cardiomyopathy 1G (CMD1G). Identifiers: Orphanet 154, MedGen C1858763, MONDO:0011400, OMIM 604145.
Myopathy, myofibrillar, 9, with early respiratory failure (MFM9). Also called: EDSTROM MYOPATHY; Hereditary myopathy with early respiratory failure; Myopathy, distal, with early respiratory failure, autosomal dominant; MYOPATHY, PROXIMAL, WITH EARLY RESPIRATORY MUSCLE INVOLVEMENT. Identifiers: Orphanet 178464, Orphanet 34521, MedGen C1863599, MONDO:0011362, OMIM 603689.
Hypertrophic cardiomyopathy 9. Also called: Familial hypertrophic cardiomyopathy 9. Identifiers: MedGen C1861065, MONDO:0013412, OMIM 613765.
Tibial muscular dystrophy (TMD). Also called: UDD MYOPATHY; Udd Distal Myopathy – Tibial Muscular Dystrophy; Tibial muscular dystrophy, tardive. Identifiers: Orphanet 609, MedGen C1838244, MONDO:0010870, OMIM 600334.
Early-onset myopathy with fatal cardiomyopathy (CMYO5). Also called: Salih Myopathy; CONGENITAL MYOPATHY 5 WITH CARDIOMYOPATHY. Identifiers: Orphanet 289377, MedGen C2673677, MONDO:0012714, OMIM 611705. Disease mechanism: loss of function.

Allele frequency attached by ClinVar (database versions not stated): gnomAD 0.00001; gnomAD exomes 0.00001 and 0.00003; TOPMed 0.00001.
gnomAD v4.1: 46 of 1,613,272 alleles (0.0029%); highest among the groups gnomAD compares: Non-Finnish European, 0.0039%; no homozygotes.

Submissions (5):

PreventionGenetics, part of Exact Sciences
Classification: Uncertain significance for TTN-related condition. Last evaluated: 2026-06-24. Review status: criteria provided, single submitter. Criteria: ACMG Guidelines, 2015. Collection method: clinical testing. Allele origin: germline.
Comment: The TTN c.79342G>A variant is predicted to result in the amino acid substitution p.Val26448Met. To our knowledge, this variant has not been reported in the literature. This variant is reported in 0.0027% of alleles in individuals of European (Non-Finnish) descent in gnomAD. At this time, the clinical significance of this variant is uncertain due to the absence of conclusive functional and genetic evidence.

Women's Health and Genetics/Laboratory Corporation of America, LabCorp
Classification: Uncertain significance. Last evaluated: 2025-05-22. Review status: criteria provided, single submitter. Criteria: LabCorp Variant Classification Summary - May 2015. Collection method: clinical testing. Allele origin: germline.

Fulgent Genetics
Classification: Uncertain significance for Tibial muscular dystrophy; Myopathy, myofibrillar, 9, with early respiratory failure; Dilated cardiomyopathy 1G; Autosomal recessive limb-girdle muscular dystrophy type 2J; Early-onset myopathy with fatal cardiomyopathy; Hypertrophic cardiomyopathy 9. Last evaluated: 2021-11-10. Review status: criteria provided, single submitter. Criteria: ACMG Guidelines, 2015. Collection method: clinical testing. Allele origin: unknown.

Labcorp Genetics (formerly Invitae), Labcorp
Classification: Uncertain significance for Dilated cardiomyopathy 1G; Autosomal recessive limb-girdle muscular dystrophy type 2J. Last evaluated: 2017-06-13. Review status: criteria provided, single submitter. Criteria: Invitae Variant Classification Sherloc (09022015). Collection method: clinical testing. Allele origin: germline.

ARUP Laboratories, Molecular Genetics and Genomics, ARUP Laboratories
Classification: Uncertain significance. Last evaluated: 2017-02-16. Review status: criteria provided, single submitter. Criteria: ARUP Molecular Germline Variant Investigation Process. Collection method: clinical testing. Allele origin: germline.